The following is an entry in ClinVar:

NM_000214.3(JAG1):c.2345-8_2345-6del

Gene: JAG1 (jagged canonical Notch ligand 1; minus strand). Cytogenetic location: 20p12.2.
Variant type: Deletion.
Coding change: c.2345-8_2345-6del on transcript NM_000214.3 (MANE Select); 8 bases into the intron before coding-DNA position 2345 through 6 bases into the intron before coding-DNA position 2345, 3 bases deleted (CTT; older notation c.2345-8_2345-6delCTT).
Molecular consequence: intron variant.
Genome position (GRCh38, 1-based): chr20:10,644,390-10,644,392, AAG deleted on the plus strand (CTT on the coding strand, the reverse complement: JAG1 is on the minus strand); deleting any 3 consecutive bases within chr20:10,644,390-10,644,394 gives the same sequence; the c. name uses the placement nearest the transcript's 3' end. VCF-style (leftmost placement, unchanged base first): chr20-10644389-AAAG-A. GRCh37 (hg19) VCF-style: chr20-10625037-AAAG-A.
Other names: c.2345-8_2345-6del (LRG_1191t1); c.2345-8_2345-6delCTT (NM_000214.2).
Identifiers: ClinVar variation 594712 (VCV000594712.15), dbSNP rs1396652277, ClinGen allele CA634451789.

ClinVar aggregate classification (germline): Conflicting classifications of pathogenicity. Review status: criteria provided, conflicting classifications (1 of 4 stars). 4 submissions from 4 submitters: Uncertain significance (2); Likely benign (2). Last evaluated 2025-12-23.

Conditions:
JAG1-related disorder. Also called: JAG1-related condition; JAG1-related disorders.
Alagille syndrome due to a JAG1 point mutation. Also called: Alagille Syndrome 1; HEPATIC DUCTULAR HYPOPLASIA, SYNDROMATIC; JAG1-Related Alagille Syndrome. Identifiers: Orphanet 261619, Orphanet 52, MedGen C1956125, MONDO:0016862, OMIM 118450.

Submissions (4):

PreventionGenetics, part of Exact Sciences
Classification: Likely benign for JAG1-related condition. Last evaluated: 2025-12-23. Review status: criteria provided, single submitter. Criteria: ACMG Guidelines, 2015. Collection method: clinical testing. Allele origin: germline.
Comment: This variant is classified as likely benign based on ACMG/AMP sequence variant interpretation guidelines (Richards et al. 2015 PMID: 25741868, with internal and published modifications).

Labcorp Genetics (formerly Invitae), Labcorp
Classification: Likely benign for Alagille syndrome due to a JAG1 point mutation. Last evaluated: 2024-02-17. Review status: criteria provided, single submitter. Criteria: Invitae Variant Classification Sherloc (09022015). Collection method: clinical testing. Allele origin: germline.

Blueprint Genetics
Classification: Uncertain significance. Last evaluated: 2021-11-13. Review status: criteria provided, single submitter. Criteria: ACMG Guidelines, 2015. Collection method: clinical testing. Allele origin: germline.

Eurofins Ntd Llc (ga)
Classification: Uncertain significance. Last evaluated: 2017-10-25. Review status: criteria provided, single submitter. Criteria: EGL Classification Definitions 2015. Collection method: clinical testing. Allele origin: germline. Observed: 1 variant allele, 1 heterozygote.